The following is an entry in ClinVar:

NM_004260.4(RECQL4):c.1924GCCACA[3] (p.642AT[3])

Gene: RECQL4 (RecQ like helicase 4; minus strand). Cytogenetic location: 8q24.3.
Variant type: Microsatellite.
Coding change: c.1924GCCACA[3] on transcript NM_004260.4 (MANE Select); three copies in a row of the 6-base unit GCCACA starting at c.1924; the reference has two copies in a row; one copy, 6 bases duplicated; also written c.1930_1935dup.
Protein change: p.642AT[3].
Molecular consequence: inframe insertion.
Genome position (GRCh38, 1-based): chr8:144,514,051-144,514,056, TGTGGC duplicated on the plus strand (GCCACA on the coding strand, the reverse complement: RECQL4 is on the minus strand); duplicating any 6 consecutive bases within chr8:144,514,051-144,514,066 gives the same sequence; the position shown is the placement nearest the transcript's 3' end. VCF-style (leftmost placement, unchanged base first): chr8-144514050-G-GTGTGGC. GRCh37 (hg19) VCF-style: chr8-145739434-G-GTGTGGC.
Other names: c.1930_1935dup (NM_004260.4).
Identifiers: ClinVar variation 529005 (VCV000529005.7), dbSNP rs781471399, ClinGen allele CA187684537.
Genomic context (GRCh38, chr8:144,514,050, plus strand): 5'-CGTGGAGGTCAGGCTCTTCAGCCACAGCCAGGTGCTGTGCCACGTCACTGGCAGTGCGGC[G>GTGTGGC]TGTGGCTGTGGCTGTGAGGCCCAGGAAGCAGTGCACGCCCATGCGCTCCCGAAGCACCTG-3'

ClinVar aggregate classification (germline): Uncertain significance. Review status: criteria provided, multiple submitters, no conflicts (2 of 4 stars). 2 submissions from 2 submitters: Uncertain significance (2). Last evaluated 2024-10-12.

Conditions:
Rothmund-Thomson syndrome type 2 (RTS2). Identifiers: Orphanet 221016, MedGen C5203410, MONDO:0016369, OMIM 268400.
Rapadilino syndrome. Identifiers: Orphanet 3021, MedGen C1849453, MONDO:0009955, OMIM 266280.
Baller-Gerold syndrome (BGS). Also called: CRANIOSYNOSTOSIS WITH RADIAL DEFECTS. Identifiers: Orphanet 1225, MedGen C0265308, MONDO:0009039, OMIM 218600.

Submissions (2):

Labcorp Genetics (formerly Invitae), Labcorp
Classification: Uncertain significance for Baller-Gerold syndrome. Last evaluated: 2024-10-12. Review status: criteria provided, single submitter. Criteria: Invitae Variant Classification Sherloc (09022015). Collection method: clinical testing. Allele origin: germline.
Comment: This variant, c.1930_1935dup, is a complex sequence change that results in the insertion of 2 amino acid(s) in the RECQL4 protein (p.Ala644_Thr645dup). This variant is not present in population databases (gnomAD no frequency). This variant has been observed in individual(s) with Rothmund-Thomson syndrome (PMID: 27247962). Experimental studies and prediction algorithms are not available or were not evaluated, and the functional significance of this variant is currently unknown. In summary, the available evidence is currently insufficient to determine the role of this variant in disease. Therefore, it has been classified as a Variant of Uncertain Significance.

Juno Genomics, Hangzhou Juno Genomics, Inc
Classification: Uncertain significance for Baller-Gerold syndrome; Rapadilino syndrome; Rothmund-Thomson syndrome type 2. Review status: criteria provided, single submitter. Criteria: ACMG Guidelines, 2015. Collection method: clinical testing. Allele origin: germline.
Comment: Absent from controls (or at extremely low frequency if recessive) in Genome Aggregation Database.;Protein length changes due to in-frame deletions/insertions in a non-repeat region or stop-loss variants.;For recessive disorders, detected in trans with a pathogenic variant.;Patient's phenotype or family history is highly specific for a disease with a single genetic etiology.

Literature cited by the submitters: PubMed 27247962 (cited by Labcorp Genetics (formerly Invitae), Labcorp).